The following is an entry in ClinVar:

NM_004168.4(SDHA):c.163T>C (p.Tyr55His)

Gene: SDHA (succinate dehydrogenase complex flavoprotein subunit A; plus strand). Cytogenetic location: 5p15.33.
Variant type: single nucleotide variant.
Coding change: c.163T>C on transcript NM_004168.4 (MANE Select); coding-DNA position 163, T replaced by C.
Protein change: p.Tyr55His; replaces tyrosine 55 with histidine.
Molecular consequence: missense variant.
Genome position (GRCh38, 1-based): chr5:224,372, T>C. VCF-style: chr5-224372-T-C. GRCh37 (hg19) VCF-style: chr5-224487-T-C.
Other names: c.163T>C, p.Tyr55His (NM_001294332.2, NM_001330758.2); short protein forms Y55H.
Identifiers: ClinVar variation 353201 (VCV000353201.51), dbSNP rs142926807, ClinGen allele CA3172745.

ClinVar aggregate classification (germline): Benign/Likely benign. Review status: criteria provided, multiple submitters, no conflicts (2 of 4 stars). 12 submissions from 10 submitters: Benign (7); Likely benign (4). 1 of the submissions does not count toward it. Last evaluated 2026-02-04.

Conditions:
Mitochondrial complex II deficiency, nuclear type 1. Also called: SUCCINATE CoQ REDUCTASE DEFICIENCY. Identifiers: Orphanet 3208, MedGen C5700310, MONDO:0100294, OMIM 252011.
Pheochromocytoma/paraganglioma syndrome 5. Also called: SDHA-Related Hereditary Paraganglioma-Pheochromocytoma Syndrome; Paragangliomas 5. Identifiers: Orphanet 29072, MedGen C3279992, MONDO:0013602, OMIM 614165.
Hereditary pheochromocytoma and paraganglioma. Also called: Hereditary Paraganglioma-Pheochromocytoma Syndromes; Hereditary paragangliomas and pheochromocytomas; Hereditary pheochromocytoma-paraganglioma. Identifiers: Orphanet 29072, MedGen C4274332, MONDO:0017366.
Dilated cardiomyopathy 1GG (CMD1GG). Identifiers: Orphanet 154, MedGen C3150898, MONDO:0013339, OMIM 613642.
Neurodegeneration with ataxia and late-onset optic atrophy. Identifiers: MedGen C5543254, MONDO:0031006, OMIM 619259.
Leigh syndrome (NULS). Also called: Subacute necrotizing encephalopathy; Necrotizing encephalopathy infantile subacute of Leigh; LEIGH SYNDROME, NUCLEAR; Leigh's necrotizing encephalopathy; Leigh's disease; Leigh's syndrome. Identifiers: Orphanet 506, MedGen C2931891, MONDO:0009723, OMIM 256000.
Hereditary cancer-predisposing syndrome. Also called: Hereditary Cancer Syndrome; Tumor predisposition; Neoplastic Syndromes, Hereditary; Hereditary neoplastic syndrome. Identifiers: Orphanet 140162, MedGen C0027672, MeSH D009386, MONDO:0015356.

Allele frequency attached by ClinVar (database versions not stated): gnomAD exomes 0.00075 and 0.00155; gnomAD 0.00078 and 0.00046; TOPMed 0.00097; ExAC 0.00152; 1000 Genomes Project 30x 0.00297; 1000 Genomes Project 0.00319.
gnomAD v4.1: 1,241 of 1,613,346 alleles (0.077%); highest among the groups gnomAD compares: East Asian, 2.4%; 12 homozygotes.

Submissions (12):

Labcorp Genetics (formerly Invitae), Labcorp
Classification: Benign for Pheochromocytoma/paraganglioma syndrome 5; Mitochondrial complex II deficiency, nuclear type 1. Last evaluated: 2026-02-04. Review status: criteria provided, single submitter. Criteria: Invitae Variant Classification Sherloc (09022015). Collection method: clinical testing. Allele origin: germline.

CeGaT Center for Human Genetics Tuebingen
Classification: Likely benign. Last evaluated: 2025-07-01. Review status: criteria provided, single submitter. Criteria: CeGaT Center For Human Genetics Tuebingen Variant Classification Criteria Version 2. Collection method: clinical testing. Allele origin: germline. Affected: yes. Observed: 4 variant alleles.
Comment: SDHA: BS1

Quest Diagnostics Nichols Institute San Juan Capistrano
Classification: Benign. Last evaluated: 2025-06-10. Review status: criteria provided, single submitter. Criteria: Quest Diagnostics criteria. Collection method: clinical testing. Allele origin: unknown.

KCCC/NGS Laboratory, Kuwait Cancer Control Center
Classification: Benign for Pheochromocytoma/paraganglioma syndrome 5. Last evaluated: 2023-07-07. Review status: criteria provided, single submitter. Criteria: ACMG Guidelines, 2015. Collection method: clinical testing. Allele origin: germline. Affected: yes.

Department of Pathology and Laboratory Medicine, Sinai Health System
Classification: Benign for Mitochondrial complex II deficiency, nuclear type 1; Dilated cardiomyopathy 1GG; Pheochromocytoma/paraganglioma syndrome 5; Neurodegeneration with ataxia and late-onset optic atrophy. Last evaluated: 2022-04-28. Review status: criteria provided, single submitter. Criteria: ACMG Guidelines, 2015. Collection method: clinical testing. Allele origin: germline. Affected: yes.

Sema4
Classification: Benign for Hereditary cancer-predisposing syndrome. Last evaluated: 2021-05-11. Review status: criteria provided, single submitter. Criteria: Sema4 Curation Guidelines. Collection method: curation. Allele origin: germline.

Illumina Laboratory Services, Illumina
Classification: Likely benign for Mitochondrial complex II deficiency, nuclear type 1. Last evaluated: 2017-04-27. Review status: criteria provided, single submitter. Criteria: ICSL Variant Classification Criteria 13 December 2019. Collection method: clinical testing. Allele origin: germline.
Comment: This variant was observed as part of a predisposition screen in an ostensibly healthy population. A literature search was performed for the gene, cDNA change, and amino acid change (where applicable). No publications were found based on this search. Allele frequency data from public databases allowed determination this variant is unlikely to cause disease. Therefore, this variant is classified as likely benign.

Illumina Laboratory Services, Illumina
Classification: Likely benign for Hereditary Paraganglioma-Pheochromocytoma Syndromes. Last evaluated: 2017-04-27. Review status: criteria provided, single submitter. Criteria: ICSL Variant Classification Criteria 13 December 2019. Collection method: clinical testing. Allele origin: germline.
Comment: the same text as in the submission from Illumina Laboratory Services, Illumina above.

Illumina Laboratory Services, Illumina
Classification: Likely benign for Leigh syndrome. Last evaluated: 2017-04-27. Review status: criteria provided, single submitter. Criteria: ICSL Variant Classification Criteria 13 December 2019. Collection method: clinical testing. Allele origin: germline.
Comment: the same text as in the submission from Illumina Laboratory Services, Illumina above.

GeneDx
Classification: Benign. Last evaluated: 2017-02-01. Review status: criteria provided, single submitter. Criteria: GeneDx Variant Classification (06012015). Collection method: clinical testing. Allele origin: germline. Affected: yes.
Comment: This variant is considered likely benign or benign based on one or more of the following criteria: it is a conservative change, it occurs at a poorly conserved position in the protein, it is predicted to be benign by multiple in silico algorithms, and/or has population frequency not consistent with disease.

Ambry Genetics
Classification: Benign for Hereditary cancer-predisposing syndrome. Last evaluated: 2015-08-28. Review status: criteria provided, single submitter. Criteria: Ambry Variant Classification Scheme 2023. Collection method: clinical testing. Allele origin: germline.

Genetic Services Laboratory, University of Chicago
Classification: Benign. Last evaluated: 2022-07-12. Review status: no assertion criteria provided. Collection method: clinical testing. Allele origin: germline. Affected: no. Not counted in ClinVar's aggregate classification.

Literature cited by the submitters: PubMed 39321216 (cited by Quest Diagnostics Nichols Institute San Juan Capistrano); PubMed 36305856 (cited by Quest Diagnostics Nichols Institute San Juan Capistrano); PubMed 34014604 (cited by Quest Diagnostics Nichols Institute San Juan Capistrano); PubMed 33362715 (cited by Quest Diagnostics Nichols Institute San Juan Capistrano).